The following is an entry in ClinVar:

ClinVar aggregate classification (germline): Pathogenic. Review status: criteria provided, multiple submitters, no conflicts (2 of 4 stars). 4 submissions from 4 submitters: Pathogenic (3). 1 of the submissions does not count toward it. Last evaluated 2023-10-23.

Conditions:
BEST1-related disorder. Also called: BEST1-related disorders; BEST1-related condition. Identifiers: MedGen CN239200.
Autosomal dominant vitreoretinochoroidopathy. Also called: VITREORETINOCHOROIDOPATHY WITH MICROCORNEA, GLAUCOMA, AND CATARACT; VITREORETINOCHOROIDOPATHY, AUTOSOMAL DOMINANT, WITH NANOPHTHALMOS; Autosomal Dominant Vitreoretinochoroidopathy (ADVIRC). Identifiers: Orphanet 263347, Orphanet 3086, MedGen C3888099, MONDO:0008662, OMIM 193220.
Vitelliform macular dystrophy 2. Also called: MACULAR DEGENERATION, POLYMORPHIC VITELLINE; VITELLIFORM MACULAR DYSTROPHY, EARLY-ONSET; VITELLIFORM MACULAR DYSTROPHY, JUVENILE-ONSET; Best Vitelliform Macular Dystrophy (BVMD); Best vitelliform macular dystrophy, multifocal; Best Macular Dystrophy. Identifiers: Orphanet 1243, MedGen C2745945, MONDO:0007931, OMIM 153700.
Autosomal recessive bestrophinopathy. Also called: Autosomal Recessive Bestrophinopathy (ARB). Identifiers: Orphanet 139455, MedGen C3888198, MONDO:0012733, OMIM 611809.
Retinitis pigmentosa 50 (RP50). Also called: Retinitis pigmentosa, concentric. Identifiers: Orphanet 791, MedGen C2750789, MONDO:0013175, OMIM 613194.

Submissions (4):

Labcorp Genetics (formerly Invitae), Labcorp
Classification: Pathogenic. Last evaluated: 2023-10-23. Review status: criteria provided, single submitter. Criteria: Invitae Variant Classification Sherloc (09022015). Collection method: clinical testing. Allele origin: germline.
Comment: This sequence change replaces glutamic acid, which is acidic and polar, with lysine, which is basic and polar, at codon 300 of the BEST1 protein (p.Glu300Lys). This variant is not present in population databases (gnomAD no frequency). This missense change has been observed in individuals with autosomal dominant Best vitelliform macular dystrophy (PMID: 10854112, 27078032, 28559085; Invitae). ClinVar contains an entry for this variant (Variation ID: 99768). Advanced modeling of protein sequence and biophysical properties (such as structural, functional, and spatial information, amino acid conservation, physicochemical variation, residue mobility, and thermodynamic stability) performed at Invitae indicates that this missense variant is expected to disrupt BEST1 protein function with a positive predictive value of 95%. Experimental studies have shown that this missense change does not substantially affect BEST1 function (PMID: 17110374). This variant disrupts the p.Glu300 amino acid residue in BEST1. Other variant(s) that disrupt this residue have been determined to be pathogenic (PMID: 10331951, 13129869, 28559085). This suggests that this residue is clinically significant, and that variants that disrupt this residue are likely to be disease-causing. For these reasons, this variant has been classified as Pathogenic.

Blueprint Genetics
Classification: Pathogenic for BEST1-related disorders. Last evaluated: 2020-04-14. Review status: criteria provided, single submitter. Criteria: ACMG Guidelines, 2015. Collection method: clinical testing. Allele origin: germline. Affected: yes. Observed: 5 variant alleles.

Juno Genomics, Hangzhou Juno Genomics, Inc
Classification: Pathogenic for Autosomal dominant vitreoretinochoroidopathy; Autosomal recessive bestrophinopathy; Vitelliform macular dystrophy 2; Retinitis pigmentosa 50. Review status: criteria provided, single submitter. Criteria: ACMG Guidelines, 2015. Collection method: clinical testing. Allele origin: germline.
Comment: Absent from controls (or at extremely low frequency if recessive) in Genome Aggregation Database.;Multiple lines of computational evidence support a deleterious effect on the gene or gene product.;Novel missense change at an amino acid residue where a different missense change determined to be pathogenic has been seen before.;The prevalence of the variant in affected individuals is significantly increased compared to the prevalence in controls.;Patient's phenotype or family history is highly specific for a disease with a single genetic etiology.;Assumed de novo, but without confirmation of paternity and maternity.

Retina International
No classification provided. Review status: no classification provided. Collection method: not provided. Allele origin: not provided. Not counted in ClinVar's aggregate classification.

Literature cited by the submitters: PubMed 10854112 (cited by Labcorp Genetics (formerly Invitae), Labcorp); PubMed 27078032 (cited by Labcorp Genetics (formerly Invitae), Labcorp); PubMed 28559085 (cited by Labcorp Genetics (formerly Invitae), Labcorp); PubMed 17110374 (cited by Labcorp Genetics (formerly Invitae), Labcorp); PubMed 10331951 (cited by Labcorp Genetics (formerly Invitae), Labcorp); PubMed 13129869 (cited by Labcorp Genetics (formerly Invitae), Labcorp).

NM_004183.4(BEST1):c.898G>A (p.Glu300Lys)

Gene: BEST1 (bestrophin 1; plus strand). Cytogenetic location: 11q12.3.
Variant type: single nucleotide variant.
Coding change: c.898G>A on transcript NM_004183.4 (MANE Select); coding-DNA position 898, G replaced by A.
Protein change: p.Glu300Lys; replaces glutamic acid 300 with lysine.
Molecular consequence: missense variant. On other transcripts: synonymous variant (1), non-coding transcript variant (1), intron variant (1).
Genome position (GRCh38, 1-based): chr11:61,959,528, G>A. VCF-style: chr11-61959528-G-A. GRCh37 (hg19) VCF-style: chr11-61727000-G-A.
Other names: c.718G>A, p.Glu240Lys (NM_001139443.3, NM_001300787.2); c.580G>A, p.Glu194Lys (NM_001363591.3); c.1101G>A, p.Glu367= (NM_001363592.2); c.-75G>A (NM_001363593.3); c.688-364G>A (NM_001300786.2); short protein forms E300K, E240K, E194K.
Identifiers: ClinVar variation 99768 (VCV000099768.14), dbSNP rs281865258, ClinGen allele CA227839.